The following is an entry in ClinVar:

NM_152383.5(DIS3L2):c.1913G>A (p.Gly638Glu)

Gene: DIS3L2 (DIS3 like 3'-5' exoribonuclease 2; plus strand). Cytogenetic location: 2q37.1.
Variant type: single nucleotide variant.
Coding change: c.1913G>A on transcript NM_152383.5 (MANE Select); coding-DNA position 1913, G replaced by A.
Protein change: p.Gly638Glu; replaces glycine 638 with glutamic acid.
Molecular consequence: missense variant. On other transcripts: non-coding transcript variant (2), intron variant (1).
Genome position (GRCh38, 1-based): chr2:232,329,986, G>A. VCF-style: chr2-232329986-G-A. GRCh37 (hg19) VCF-style: chr2-233194696-G-A.
Other names: c.1582-13359G>A (NM_001257281.2); short protein forms G638E.
Identifiers: ClinVar variation 577524 (VCV000577524.8), dbSNP rs772936274, ClinGen allele CA350976290.

ClinVar aggregate classification (germline): Uncertain significance (1 of 4 stars; one submission).

Conditions:
Perlman syndrome (PRLMNS). Identifiers: Orphanet 2849, MedGen C0796113, MONDO:0009965, OMIM 267000.

Submission:

Labcorp Genetics (formerly Invitae), Labcorp
Classification: Uncertain significance for Perlman syndrome. Last evaluated: 2022-12-10. Review status: criteria provided, single submitter. Criteria: Invitae Variant Classification Sherloc (09022015). Collection method: clinical testing. Allele origin: germline.
Comment: In summary, the available evidence is currently insufficient to determine the role of this variant in disease. Therefore, it has been classified as a Variant of Uncertain Significance. Advanced modeling of protein sequence and biophysical properties (such as structural, functional, and spatial information, amino acid conservation, physicochemical variation, residue mobility, and thermodynamic stability) performed at Invitae indicates that this missense variant is not expected to disrupt DIS3L2 protein function. ClinVar contains an entry for this variant (Variation ID: 577524). This variant has not been reported in the literature in individuals affected with DIS3L2-related conditions. This variant is not present in population databases (gnomAD no frequency). This sequence change replaces glycine, which is neutral and non-polar, with glutamic acid, which is acidic and polar, at codon 638 of the DIS3L2 protein (p.Gly638Glu).